The following is an entry in ClinVar:

ClinVar aggregate classification (germline): Uncertain significance. Review status: criteria provided, multiple submitters, no conflicts (2 of 4 stars). 4 submissions from 4 submitters: Uncertain significance (3). 1 of the submissions does not count toward it. Last evaluated 2025-08-28.

Conditions:
BBS10-related disorder. Also called: BBS10-related condition.
Bardet-Biedl syndrome 10 (BBS10). Identifiers: Orphanet 110, MedGen C1859568, MONDO:0014438, OMIM 615987.
Bardet-Biedl syndrome (BBS). Identifiers: Orphanet 110, MedGen C0752166, MONDO:0015229.
Inborn genetic diseases. Identifiers: MedGen C0950123, MeSH D030342.

Allele frequency attached by ClinVar (database versions not stated): gnomAD 0.00001; gnomAD exomes 0.00001; TOPMed 0.00002.

Submissions (4):

Ambry Genetics
Classification: Uncertain significance for Inborn genetic diseases. Last evaluated: 2025-08-28. Review status: criteria provided, single submitter. Criteria: Ambry Variant Classification Scheme 2023. Collection method: clinical testing. Allele origin: germline.

Labcorp Genetics (formerly Invitae), Labcorp
Classification: Uncertain significance for Bardet-Biedl syndrome. Last evaluated: 2021-09-17. Review status: criteria provided, single submitter. Criteria: Invitae Variant Classification Sherloc (09022015). Collection method: clinical testing. Allele origin: germline.
Comment: This sequence change replaces isoleucine with valine at codon 447 of the BBS10 protein (p.Ile447Val). The isoleucine residue is weakly conserved and there is a small physicochemical difference between isoleucine and valine. This variant is not present in population databases (ExAC no frequency). This variant has not been reported in the literature in individuals with BBS10-related conditions. Algorithms developed to predict the effect of missense changes on protein structure and function output the following: SIFT: "Tolerated"; PolyPhen-2: "Benign"; Align-GVGD: "Class C0". The valine amino acid residue is found in multiple mammalian species, suggesting that this missense change does not adversely affect protein function. These predictions have not been confirmed by published functional studies and their clinical significance is uncertain. In summary, the available evidence is currently insufficient to determine the role of this variant in disease. Therefore, it has been classified as a Variant of Uncertain Significance.

Illumina Laboratory Services, Illumina
Classification: Uncertain significance for Bardet-Biedl syndrome 10. Last evaluated: 2018-03-02. Review status: criteria provided, single submitter. Criteria: ICSL Variant Classification Criteria 13 December 2019. Collection method: clinical testing. Allele origin: germline.

PreventionGenetics, part of Exact Sciences
Classification: Uncertain significance for BBS10-related condition. Last evaluated: 2024-08-19. Review status: no assertion criteria provided. Collection method: clinical testing. Allele origin: germline. Not counted in ClinVar's aggregate classification.
Comment: The BBS10 c.1339A>G variant is predicted to result in the amino acid substitution p.Ile447Val. To our knowledge, this variant has not been reported in the literature or in a large population database, indicating this variant is rare. At this time, the clinical significance of this variant is uncertain due to the absence of conclusive functional and genetic evidence.

NM_024685.4(BBS10):c.1339A>G (p.Ile447Val)

Gene: BBS10 (Bardet-Biedl syndrome 10; minus strand). Cytogenetic location: 12q21.2.
Variant type: single nucleotide variant.
Coding change: c.1339A>G on transcript NM_024685.4 (MANE Select); coding-DNA position 1339, A replaced by G.
Protein change: p.Ile447Val; replaces isoleucine 447 with valine.
Molecular consequence: missense variant.
Genome position (GRCh38, 1-based): chr12:76,346,646, T>C on the plus strand (A>G on the coding strand, the complement: BBS10 is on the minus strand). VCF-style: chr12-76346646-T-C. GRCh37 (hg19) VCF-style: chr12-76740426-T-C.
Other names: short protein forms I447V.
Identifiers: ClinVar variation 884184 (VCV000884184.7), dbSNP rs1460652135, ClinGen allele CA385811433.